The following is an entry in ClinVar:

ClinVar aggregate classification (germline): Uncertain significance (1 of 4 stars; one submission).

Submission:

GeneDx
Classification: Uncertain significance. Last evaluated: 2017-04-05. Review status: criteria provided, single submitter. Criteria: GeneDx Variant Classification (06012015). Collection method: clinical testing. Allele origin: germline. Affected: yes.
Comment: The M722T variant in the ADNP gene has not been reported previously as a pathogenic variant, nor as a benign variant, to our knowledge. This variant is not observed in large population cohorts (Lek et al., 2016; 1000 Genomes Consortium et al., 2015; Exome Variant Server). The M722T variant is a non-conservative amino acid substitution that occurs at a position that is not conserved. In silico analysis predicts this variant likely does not alter the protein structure/function. Therefore, we interpret M722T as a variant of uncertain significance.

NM_001282531.3(ADNP):c.2165T>C (p.Met722Thr)

Gene: ADNP (activity dependent neuroprotector homeobox; minus strand). Cytogenetic location: 20q13.13.
Variant type: single nucleotide variant.
Coding change: c.2165T>C on transcript NM_001282531.3 (MANE Select); coding-DNA position 2165, T replaced by C.
Protein change: p.Met722Thr; replaces methionine 722 with threonine.
Molecular consequence: missense variant.
Genome position (GRCh38, 1-based): chr20:50,892,549, A>G on the plus strand (T>C on the coding strand, the complement: ADNP is on the minus strand). VCF-style: chr20-50892549-A-G. GRCh37 (hg19) VCF-style: chr20-49509086-A-G.
Other names: c.2165T>C, p.Met722Thr (NM_001282532.2, NM_001347511.2, NM_015339.5 and 1 more transcripts); short protein forms M722T.
Identifiers: ClinVar variation 426751 (VCV000426751.2), dbSNP rs1085307779, ClinGen allele CA408971064.